The following is an entry in ClinVar:

ClinVar aggregate classification (germline): Likely benign. Review status: criteria provided, multiple submitters, no conflicts (2 of 4 stars). 3 submissions from 3 submitters: Likely benign (2). 1 of the submissions does not count toward it. Last evaluated 2026-01-19.

Conditions:
VPS13B-related disorder. Also called: VPS13B-related condition.
Cohen syndrome (COH1). Also called: PEPPER SYNDROME; Cutis verticis gyrata, retinitis pigmentosa, and sensorineural deafness. Identifiers: Orphanet 193, MedGen C0265223, MONDO:0008999, OMIM 216550.

Allele frequency attached by ClinVar (database versions not stated): gnomAD exomes below 0.00001; gnomAD 0.00001.
gnomAD v4.1: 4 of 1,613,932 alleles (0.00025%); highest among the groups gnomAD compares: Middle Eastern, 0.049%; no homozygotes.

Submissions (3):

Labcorp Genetics (formerly Invitae), Labcorp
Classification: Likely benign for Cohen syndrome. Last evaluated: 2026-01-19. Review status: criteria provided, single submitter. Criteria: Invitae Variant Classification Sherloc (09022015). Collection method: clinical testing. Allele origin: germline.

Blueprint Genetics
Classification: Likely benign. Last evaluated: 2024-01-30. Review status: criteria provided, single submitter. Criteria: ACMG Guidelines, 2015. Collection method: clinical testing. Allele origin: germline.

PreventionGenetics, part of Exact Sciences
Classification: Likely benign for VPS13B-related condition. Last evaluated: 2024-06-28. Review status: no assertion criteria provided. Collection method: clinical testing. Allele origin: germline. Not counted in ClinVar's aggregate classification.
Comment: This variant is classified as likely benign based on ACMG/AMP sequence variant interpretation guidelines (Richards et al. 2015 PMID: 25741868, with internal and published modifications).

NM_152564.5(VPS13B):c.11393-9T>C

Gene: VPS13B (vacuolar protein sorting 13 homolog B; plus strand). Cytogenetic location: 8q22.2.
Variant type: single nucleotide variant.
Coding change: c.11393-9T>C on transcript NM_152564.5 (MANE Select); 9 bases into the intron before coding-DNA position 11393, T replaced by C.
Molecular consequence: intron variant.
Genome position (GRCh38, 1-based): chr8:99,870,776, T>C. VCF-style: chr8-99870776-T-C. GRCh37 (hg19) VCF-style: chr8-100883004-T-C.
Other names: c.11468-9T>C (NM_017890.5); c.11393-9T>C (NM_152564.4).
Identifiers: ClinVar variation 1122927 (VCV001122927.11), dbSNP rs1370103041, ClinGen allele CA583849173.